The following is an entry in ClinVar:

ClinVar aggregate classification (germline): Likely benign (1 of 4 stars; one submission).

Submission:

CeGaT Center for Human Genetics Tuebingen
Classification: Likely benign. Last evaluated: 2022-09-01. Review status: criteria provided, single submitter. Criteria: CeGaT Center For Human Genetics Tuebingen Variant Classification Criteria Version 2. Collection method: clinical testing. Allele origin: germline. Affected: yes. Observed: 1 variant allele.
Comment: CEMIP: PM2:Supporting, BP4, BP7

NM_001293298.2(CEMIP):c.870A>G (p.Gly290=)

Gene: CEMIP (cell migration inducing hyaluronidase 1; plus strand). Cytogenetic location: 15q25.1.
Variant type: single nucleotide variant.
Coding change: c.870A>G on transcript NM_001293298.2 (MANE Select); coding-DNA position 870, A replaced by G.
Protein change: p.Gly290=; no amino-acid change (glycine 290 retained).
Molecular consequence: synonymous variant.
Genome position (GRCh38, 1-based): chr15:80,888,702, A>G. VCF-style: chr15-80888702-A-G. GRCh37 (hg19) VCF-style: chr15-81181043-A-G.
Other names: c.870A>G, p.Gly290= (NM_001293304.2, NM_018689.3).
Identifiers: ClinVar variation 2645629 (VCV002645629.24), dbSNP rs2505781858, ClinGen allele CA491699848.